The following is an entry in ClinVar:

ClinVar aggregate classification (germline): Pathogenic (1 of 4 stars; one submission).

Submission:

Labcorp Genetics (formerly Invitae), Labcorp
Classification: Pathogenic. Last evaluated: 2023-11-27. Review status: criteria provided, single submitter. Criteria: Invitae Variant Classification Sherloc (09022015). Collection method: clinical testing. Allele origin: germline.
Comment: This sequence change creates a premature translational stop signal (p.Pro739Serfs*13) in the TET2 gene. It is expected to result in an absent or disrupted protein product. Loss-of-function variants in TET2 are known to be pathogenic (PMID: 36066697). This variant is not present in population databases (gnomAD no frequency). This variant has not been reported in the literature in individuals affected with TET2-related conditions. For these reasons, this variant has been classified as Pathogenic.

Literature cited by the submitters: PubMed 36066697.

NM_001127208.3(TET2):c.2213_2214dup (p.Pro739fs)

Genes: TET2 (tet methylcytosine dioxygenase 2; plus strand), TET2-AS1 (TET2 antisense RNA 1; minus strand). Cytogenetic location: 4q24.
Variant type: Microsatellite.
Coding change: c.2213_2214dup on transcript NM_001127208.3 (MANE Select); coding-DNA positions 2213 to 2214, 2 bases duplicated (TC; older notation c.2213_2214dupTC).
Protein change: p.Pro739fs; shifts the reading frame from proline 739.
Molecular consequence: frameshift variant.
Genome position (GRCh38, 1-based): chr4:105,236,155-105,236,156, TC duplicated; duplicating any 2 consecutive bases within chr4:105,236,153-105,236,156 gives the same sequence; the c. name uses the placement nearest the transcript's 3' end. VCF-style (leftmost placement, unchanged base first): chr4-105236152-A-ATC. GRCh37 (hg19) VCF-style: chr4-106157309-A-ATC.
Other names: c.2213_2214dup, p.Pro739fs (NM_017628.4); short protein forms P739fs.
Identifiers: ClinVar variation 2697746 (VCV002697746.3), dbSNP rs2476498267, ClinGen allele CA2697546848.